The following is an entry in ClinVar:

ClinVar aggregate classification (germline): Uncertain significance. Review status: criteria provided, multiple submitters, no conflicts (2 of 4 stars). 2 submissions from 2 submitters: Uncertain significance (2). Last evaluated 2023-06-22.

Allele frequency attached by ClinVar (database versions not stated): gnomAD exomes below 0.00001; TOPMed below 0.00001.
gnomAD v4.1: 6 of 1,614,202 alleles (0.00037%); highest among the groups gnomAD compares: Middle Eastern, 0.016%; no homozygotes.

Submissions (2):

Ambry Genetics
Classification: Uncertain significance. Last evaluated: 2023-06-22. Review status: criteria provided, single submitter. Criteria: Ambry Variant Classification Scheme 2023. Collection method: clinical testing. Allele origin: germline.

Labcorp Genetics (formerly Invitae), Labcorp
Classification: Uncertain significance. Last evaluated: 2022-09-03. Review status: criteria provided, single submitter. Criteria: Invitae Variant Classification Sherloc (09022015). Collection method: clinical testing. Allele origin: germline.
Comment: This sequence change replaces asparagine, which is neutral and polar, with histidine, which is basic and polar, at codon 340 of the NFE2L2 protein (p.Asn340His). In summary, the available evidence is currently insufficient to determine the role of this variant in disease. Therefore, it has been classified as a Variant of Uncertain Significance. Algorithms developed to predict the effect of missense changes on protein structure and function are either unavailable or do not agree on the potential impact of this missense change (SIFT: "Tolerated"; PolyPhen-2: "Possibly Damaging"; Align-GVGD: "Class C0"). This variant has not been reported in the literature in individuals affected with NFE2L2-related conditions. This variant is present in population databases (no rsID available, gnomAD 0.0009%).

NM_006164.5(NFE2L2):c.1018A>C (p.Asn340His)

Gene: NFE2L2 (NFE2 like bZIP transcription factor 2; minus strand). Cytogenetic location: 2q31.2.
Variant type: single nucleotide variant.
Coding change: c.1018A>C on transcript NM_006164.5 (MANE Select); coding-DNA position 1018, A replaced by C.
Protein change: p.Asn340His; replaces asparagine 340 with histidine.
Molecular consequence: missense variant.
Genome position (GRCh38, 1-based): chr2:177,231,585, T>G on the plus strand (A>C on the coding strand, the complement: NFE2L2 is on the minus strand). VCF-style: chr2-177231585-T-G. GRCh37 (hg19) VCF-style: chr2-178096313-T-G.
Other names: c.970A>C, p.Asn324His (NM_001145412.3, NM_001313900.1, NM_001313901.1); c.949A>C, p.Asn317His (NM_001145413.3); c.928A>C, p.Asn310His (NM_001313902.2); c.799A>C, p.Asn267His (NM_001313903.2); c.718A>C, p.Asn240His (NM_001313904.1); c.1018A>C (NM_006164.3); short protein forms N317H, N340H, N267H, N310H, N324H, N240H.
Identifiers: ClinVar variation 1909465 (VCV001909465.7), dbSNP rs1461941202, ClinGen allele CA349372559.